The following is an entry in ClinVar:

NM_001267550.2(TTN):c.43761T>C (p.Tyr14587=)

Gene: TTN (titin; minus strand). Cytogenetic location: 2q31.2.
Variant type: single nucleotide variant.
Coding change: c.43761T>C on transcript NM_001267550.2 (MANE Select); coding-DNA position 43761, T replaced by C.
Protein change: p.Tyr14587=; no amino-acid change (tyrosine 14587 retained).
Molecular consequence: synonymous variant.
Genome position (GRCh38, 1-based): chr2:178,631,287, A>G on the plus strand (T>C on the coding strand, the complement: TTN is on the minus strand). VCF-style: chr2-178631287-A-G. GRCh37 (hg19) VCF-style: chr2-179496014-A-G.
Other names: c.38838T>C, p.Tyr12946= (NM_001256850.1); c.16566T>C, p.Tyr5522= (NM_003319.4); c.16941T>C, p.Tyr5647= (NM_133432.3); c.17142T>C, p.Tyr5714= (NM_133437.4); c.36057T>C, p.Tyr12019= (NM_133378.4).
Identifiers: ClinVar variation 46974 (VCV000046974.13), dbSNP rs397517574, ClinGen allele CA139674.

ClinVar aggregate classification (germline): Likely benign. Review status: criteria provided, multiple submitters, no conflicts (2 of 4 stars). 2 submissions from 2 submitters: Likely benign (2). Last evaluated 2025-07-27.

Conditions:
Dilated cardiomyopathy 1G (CMD1G). Identifiers: Orphanet 154, MedGen C1858763, MONDO:0011400, OMIM 604145.
Autosomal recessive limb-girdle muscular dystrophy type 2J (LGMDR10). Also called: Limb-girdle muscular dystrophy, type 2J; MUSCULAR DYSTROPHY, LIMB-GIRDLE, AUTOSOMAL RECESSIVE 10. Identifiers: Orphanet 140922, MedGen C1837342, MONDO:0012127, OMIM 608807.

Submissions (2):

Labcorp Genetics (formerly Invitae), Labcorp
Classification: Likely benign for Dilated cardiomyopathy 1G; Autosomal recessive limb-girdle muscular dystrophy type 2J. Last evaluated: 2025-07-27. Review status: criteria provided, single submitter. Criteria: Invitae Variant Classification Sherloc (09022015). Collection method: clinical testing. Allele origin: germline.

Laboratory for Molecular Medicine, Mass General Brigham Personalized Medicine
Classification: Likely benign. Last evaluated: 2012-06-15. Review status: criteria provided, single submitter. Criteria: LMM Criteria. Collection method: clinical testing. Allele origin: germline. Observed: 1 variant allele.
Comment: Tyr12019Tyr in exon 186 of TTN: This variant is not expected to have clinical si gnificance because it does not alter an amino acid residue and it is not located within the splice consensus sequence. Tyr12019Tyr in exon 186 of TTN (allele frequency = n/a)